The following is an entry in ClinVar:

NM_033380.3(COL4A5):c.4220del (p.Pro1407fs)

Gene: COL4A5 (collagen type IV alpha 5 chain; plus strand). Cytogenetic location: Xq22.3.
Variant type: Deletion.
Coding change: c.4220del on transcript NM_033380.3 (MANE Select); coding-DNA position 4220, one base deleted (C; older notation c.4220delC).
Protein change: p.Pro1407fs; shifts the reading frame from proline 1407.
Molecular consequence: frameshift variant.
Genome position (GRCh38, 1-based): chrX:108,686,034, C deleted; the last of 2 consecutive C bases (chrX:108,686,033-108,686,034); deleting either gives the same sequence. VCF-style (leftmost placement, unchanged base first): chrX-108686032-TC-T. GRCh37 (hg19) VCF-style: chrX-107929262-TC-T.
Other names: c.4202del, p.Pro1401fs (NM_000495.5); short protein forms P1401fs, P1407fs.
Identifiers: ClinVar variation 2544380 (VCV002544380.2), dbSNP rs2524628292, ClinGen allele CA2580612456.

ClinVar aggregate classification (germline): Pathogenic (1 of 4 stars; one submission).

Conditions:
Inborn genetic diseases. Identifiers: MedGen C0950123, MeSH D030342.

Submission:

Ambry Genetics
Classification: Pathogenic for Inborn genetic diseases. Last evaluated: 2023-06-07. Review status: criteria provided, single submitter. Criteria: Ambry Variant Classification Scheme 2023. Collection method: clinical testing. Allele origin: germline.
Comment: The c.4202delC (p.P1401Qfs*147) alteration, located in exon 46 (coding exon 46) of the COL4A5 gene, consists of a deletion of one nucleotide at position 4202, causing a translational frameshift with a predicted alternate stop codon after 147 amino acids. This alteration is expected to result in loss of function by premature protein truncation or nonsense-mediated mRNA decay. This variant was not reported in population-based cohorts in the Genome Aggregation Database (gnomAD). Based on the available evidence, this alteration is classified as pathogenic.